The following is an entry in ClinVar:

NM_015922.3(NSDHL):c.395G>C (p.Cys132Ser)

Gene: NSDHL (NAD(P) dependent steroid dehydrogenase-like; plus strand). Cytogenetic location: Xq28.
Variant type: single nucleotide variant.
Coding change: c.395G>C on transcript NM_015922.3 (MANE Select); coding-DNA position 395, G replaced by C.
Protein change: p.Cys132Ser; replaces cysteine 132 with serine.
Molecular consequence: missense variant.
Genome position (GRCh38, 1-based): chrX:152,858,897, G>C. VCF-style: chrX-152858897-G-C. GRCh37 (hg19) VCF-style: chrX-152027441-G-C.
Other names: c.395G>C, p.Cys132Ser (NM_001129765.2); short protein forms C132S.
Identifiers: ClinVar variation 1049240 (VCV001049240.1), dbSNP rs2125012901, ClinGen allele CA415285044.

ClinVar aggregate classification (germline): Uncertain significance (0 of 4 stars; one submission).

Submission:

Department of Pathology and Laboratory Medicine, Sinai Health System
Classification: Uncertain significance. Review status: no assertion criteria provided. Collection method: clinical testing. Allele origin: unknown. Affected: yes. Study: The Canadian Open Genetics Repository (COGR).
Comment: The NSDHL p.C132S variant was not identified in the literature nor was it identified in dbSNP, ClinVar or in the following control databases: the 1000 Genomes Project, the NHLBI GO Exome Sequencing Project, or the Genome Aggregation Database (March 6, 2019, v2.1.1). The p.C132 residue is conserved across mammals and other organisms, and computational analyses (PolyPhen-2, SIFT, MutationTaster, Revel, FATHMM, MetaLR, DANN) suggest that the variant may impact the protein; however, this information is not predictive enough to assume pathogenicity. The variant occurs outside of the splicing consensus sequence and in silico or computational prediction software programs (Splice AI exome) do not predict a difference in splicing. In summary, based on the above information the clinical significance of this variant cannot be determined with certainty at this time. This variant is classified as a variant of uncertain significance.